The following is an entry in ClinVar:

ClinVar aggregate classification (germline): Uncertain significance (1 of 4 stars; one submission).

Conditions:
Cardiovascular phenotype. Identifiers: MedGen CN230736.

Submission:

Ambry Genetics
Classification: Uncertain significance for Cardiovascular phenotype. Last evaluated: 2020-06-24. Review status: criteria provided, single submitter. Criteria: Ambry Variant Classification Scheme 2023. Collection method: clinical testing. Allele origin: germline.
Comment: The p.G13S variant (also known as c.37G>A), located in coding exon 1 of the AKAP9 gene, results from a G to A substitution at nucleotide position 37. The glycine at codon 13 is replaced by serine, an amino acid with similar properties. This amino acid position is highly conserved in available vertebrate species. In addition, the in silico prediction for this alteration is inconclusive. Since supporting evidence is limited at this time, the clinical significance of this alteration remains unclear.

NM_005751.5(AKAP9):c.37G>A (p.Gly13Ser)

Genes: AKAP9 (A-kinase anchoring protein 9; plus strand), LOC129998788 (ATAC-STARR-seq lymphoblastoid active region 26256; plus strand). Cytogenetic location: 7q21.2.
Variant type: single nucleotide variant.
Coding change: c.37G>A on transcript NM_005751.5 (MANE Select); coding-DNA position 37, G replaced by A.
Protein change: p.Gly13Ser; replaces glycine 13 with serine.
Molecular consequence: missense variant.
Genome position (GRCh38, 1-based): chr7:91,941,136, G>A. VCF-style: chr7-91941136-G-A. GRCh37 (hg19) VCF-style: chr7-91570450-G-A.
Other names: c.37G>A, p.Gly13Ser (NM_147185.3); short protein forms G13S.
Identifiers: ClinVar variation 1735049 (VCV001735049.2), dbSNP rs868109719, ClinGen allele CA161906611.